The following is an entry in ClinVar:

NM_005210.4(CRYGB):c.32C>T (p.Ala11Val)

Genes: CRYGB (crystallin gamma B; minus strand), LOC100507443 (uncharacterized LOC100507443; plus strand). Cytogenetic location: 2q33.3.
Variant type: single nucleotide variant.
Coding change: c.32C>T on transcript NM_005210.4 (MANE Select); coding-DNA position 32, C replaced by T.
Protein change: p.Ala11Val; replaces alanine 11 with valine.
Molecular consequence: missense variant.
Genome position (GRCh38, 1-based): chr2:208,145,994, G>A on the plus strand (C>T on the coding strand, the complement: CRYGB is on the minus strand). VCF-style: chr2-208145994-G-A. GRCh37 (hg19) VCF-style: chr2-209010718-G-A.
Other names: short protein forms A11V.
Identifiers: ClinVar variation 4770126 (VCV004770126.1).

ClinVar aggregate classification (germline): Uncertain significance (1 of 4 stars; one submission).

Conditions:
Cataract 39 multiple types. Also called: Cataract 39, multiple types, autosomal dominant. Identifiers: Orphanet 91492, MedGen C3808800, MONDO:0014075, OMIM 615188.

gnomAD v4.1: 20 of 1,614,074 alleles (0.0012%); highest among the groups gnomAD compares: Admixed American, 0.032%; no homozygotes.

Submission:

Labcorp Genetics (formerly Invitae), Labcorp
Classification: Uncertain significance for Cataract 39 multiple types. Last evaluated: 2025-12-23. Review status: criteria provided, single submitter. Criteria: Invitae Variant Classification Sherloc (09022015). Collection method: clinical testing. Allele origin: germline.
Comment: This sequence change replaces alanine, which is neutral and non-polar, with valine, which is neutral and non-polar, at codon 11 of the CRYGB protein (p.Ala11Val). This variant is present in population databases (no rsID available, gnomAD 0.03%). This variant has not been reported in the literature in individuals affected with CRYGB-related conditions. An algorithm developed to predict the effect of missense changes on protein structure and function (PolyPhen-2) suggests that this variant is likely to be tolerated. In summary, the available evidence is currently insufficient to determine the role of this variant in disease. Therefore, it has been classified as a Variant of Uncertain Significance.